The following is an entry in ClinVar:

ClinVar aggregate classification (germline): Benign/Likely benign. Review status: criteria provided, multiple submitters, no conflicts (2 of 4 stars). 7 submissions from 7 submitters: Benign (6); Likely benign (1). Last evaluated 2026-02-02.

Conditions:
Cardiovascular phenotype. Identifiers: MedGen CN230736.
Long QT syndrome (LQTS). Identifiers: MedGen C0023976, MeSH D008133, MONDO:0002442. Disease mechanism: loss of function. Inheritance: Various modes of inheritance.
Long QT syndrome 11 (LQT11). Identifiers: Orphanet 101016, Orphanet 768, MedGen C2678483, MONDO:0012738, OMIM 611820.

Allele frequency attached by ClinVar (database versions not stated): gnomAD exomes 0.00110 and 0.00284; ExAC 0.00358; ESP Exome Variant Server 0.01015; gnomAD 0.01166 and 0.01237; TOPMed 0.01306; 1000 Genomes Project 0.01777; 1000 Genomes Project 30x 0.01968.
gnomAD v4.1: 3,469 of 1,613,888 alleles (0.21%); highest among the groups gnomAD compares: African/African-American, 4%; 57 homozygotes.

Submissions (7):

Labcorp Genetics (formerly Invitae), Labcorp
Classification: Benign for Long QT syndrome. Last evaluated: 2026-02-02. Review status: criteria provided, single submitter. Criteria: Invitae Variant Classification Sherloc (09022015). Collection method: clinical testing. Allele origin: germline.

Genome-Nilou Lab
Classification: Benign for Long QT syndrome 11. Last evaluated: 2021-12-05. Review status: criteria provided, single submitter. Criteria: ACMG Guidelines, 2015. Collection method: clinical testing. Allele origin: germline. Affected: no.

Women's Health and Genetics/Laboratory Corporation of America, LabCorp
Classification: Benign. Last evaluated: 2019-09-02. Review status: criteria provided, single submitter. Criteria: LabCorp Variant Classification Summary - May 2015. Collection method: clinical testing. Allele origin: germline.
Comment: Variant summary: AKAP9 c.1301G>A (p.Arg434Gln) results in a conservative amino acid change located in the ELK domain (IPR005539) of the encoded protein sequence. Five of five in-silico tools predict a benign effect of the variant on protein function. The variant allele was found at a frequency of 0.0028 in 250028 control chromosomes, predominantly at a frequency of 0.039 within the African or African-American subpopulation in the gnomAD database, including 14 homozygote. The observed variant frequency within African or African-American control individuals in the gnomAD database is well above the estimated maximal expected allele frequency for a pathogenic variant in AKAP9 causing Arrhythmia phenotype (1e-05), strongly suggesting that the variant is a benign polymorphism found primarily in populations of African or African-American origin. To our knowledge, no occurrence of c.1301G>A in individuals affected with Arrhythmia and no experimental evidence demonstrating its impact on protein function have been reported. Three submitters have provided clinical-significance assessments for this variant to ClinVar after 2014 without evidence for independent evaluation. All laboratories classified the variant as benign (2x) /likely benign (1x). Based on the evidence outlined above, the variant was classified as benign.

Ambry Genetics
Classification: Benign for Cardiovascular phenotype. Last evaluated: 2015-06-26. Review status: criteria provided, single submitter. Criteria: Ambry Variant Classification Scheme 2023. Collection method: clinical testing. Allele origin: germline.

GeneDx
Classification: Benign. Last evaluated: 2015-03-03. Review status: criteria provided, single submitter. Criteria: GeneDx Variant Classification Process June 2021. Collection method: clinical testing. Allele origin: germline. Affected: yes.

Biesecker Lab/Clinical Genomics Section, National Institutes of Health
Classification: Benign. Last evaluated: 2013-06-24. Review status: criteria provided, single submitter. Criteria: Ng et al. (Circ Cardiovasc Genet. 2013). Collection method: research. Allele origin: unknown. Observed: 2 variant alleles. Study: ClinSeq.
Comment: The study set was not selected for affection status in relation to any cancer. Pathogenicity categories were based on literature curation. See Pubmed ID:23861362 for details.

Medical sequencing

Breakthrough Genomics
Classification: Likely benign. Review status: criteria provided, single submitter. Criteria: ACMG Guidelines, 2015. Collection method: not provided. Allele origin: germline. Inheritance: Autosomal dominant inheritance. Affected: yes.

Literature cited by the submitters: PubMed 25649125 (cited by Women's Health and Genetics/Laboratory Corporation of America, LabCorp).

NM_005751.5(AKAP9):c.1301G>A (p.Arg434Gln)

Gene: AKAP9 (A-kinase anchoring protein 9; plus strand). Cytogenetic location: 7q21.2.
Variant type: single nucleotide variant.
Coding change: c.1301G>A on transcript NM_005751.5 (MANE Select); coding-DNA position 1301, G replaced by A.
Protein change: p.Arg434Gln; replaces arginine 434 with glutamine.
Molecular consequence: missense variant.
Genome position (GRCh38, 1-based): chr7:92,001,218, G>A. VCF-style: chr7-92001218-G-A. GRCh37 (hg19) VCF-style: chr7-91630532-G-A.
Other names: c.1301G>A, p.Arg434Gln (NM_147185.3); short protein forms R434Q.
Identifiers: ClinVar variation 191550 (VCV000191550.25), dbSNP rs60031334, ClinGen allele CA199846.